The following is an entry in ClinVar:

ClinVar aggregate classification (germline): Uncertain significance (1 of 4 stars; one submission).

Allele frequency attached by ClinVar (database versions not stated): TOPMed 0.00001; gnomAD 0.00001 and 0.00002.

Submission:

Women's Health and Genetics/Laboratory Corporation of America, LabCorp
Classification: Uncertain significance. Last evaluated: 2022-03-08. Review status: criteria provided, single submitter. Criteria: LabCorp Variant Classification Summary - May 2015. Collection method: clinical testing. Allele origin: germline.
Comment: Variant summary: GALT c.-392A>T is located in the untranscribed region upstream of the GALT gene region. The variant allele was found at a frequency of 3.2e-05 in 31386 control chromosomes. The available data on variant occurrences in the general population are insufficient to allow any conclusion about variant significance. To our knowledge, no occurrence of c.-392A>T in individuals affected with Galactosemia and no experimental evidence demonstrating its impact on protein function have been reported. No clinical diagnostic laboratories have submitted clinical-significance assessments for this variant to ClinVar after 2014. Based on the evidence outlined above, the variant was classified as uncertain significance.

NM_000155.3(GALT):c.-392A>T

Gene: GALT (galactose-1-phosphate uridylyltransferase; plus strand). Cytogenetic location: 9p13.3.
Variant type: single nucleotide variant.
Coding change: c.-392A>T on transcript NM_000155.3; 392 bases upstream of the start codon, A replaced by T.
Genome position (GRCh38, 1-based): chr9:34,646,313, A>T. VCF-style: chr9-34646313-A-T. GRCh37 (hg19) VCF-style: chr9-34646310-A-T.
Identifiers: ClinVar variation 1677033 (VCV001677033.3), dbSNP rs924095458, ClinGen allele CA192666735.